The following is an entry in ClinVar:

NM_000143.4(FH):c.1048C>A (p.Arg350=)

Gene: FH (fumarate hydratase; minus strand). Cytogenetic location: 1q43.
Variant type: single nucleotide variant.
Coding change: c.1048C>A on transcript NM_000143.4 (MANE Select); coding-DNA position 1048, C replaced by A.
Protein change: p.Arg350=; no amino-acid change (arginine 350 retained).
Molecular consequence: synonymous variant.
Genome position (GRCh38, 1-based): chr1:241,504,102, G>T on the plus strand (C>A on the coding strand, the complement: FH is on the minus strand). VCF-style: chr1-241504102-G-T. GRCh37 (hg19) VCF-style: chr1-241667402-G-T.
Identifiers: ClinVar variation 3773265 (VCV003773265.1).

ClinVar aggregate classification (germline): Benign (1 of 4 stars; one submission).

Conditions:
Hereditary leiomyomatosis and renal cell cancer. Also called: MULTIPLE CUTANEOUS AND UTERINE LEIOMYOMATA 1, WITH OR WITHOUT RENAL CELL CARCINOMA; LEIOMYOMA, MULTIPLE CUTANEOUS; FH tumor predisposition syndrome; Reed syndrome; Multiple cutaneous and uterine leiomyomatosis; Cutaneous leiomyomata with uterine leiomyomata. Identifiers: Orphanet 523, MedGen C1708350, MONDO:0007888, OMIM 150800, HP:0007437. Disease mechanism: loss of function.

Submission:

Myriad Genetics, Inc.
Classification: Benign for Hereditary leiomyomatosis and renal cell cancer. Last evaluated: 2024-10-21. Review status: criteria provided, single submitter. Criteria: Myriad Autosomal Dominant, Autosomal Recessive and X-Linked Classification Criteria (2023). Collection method: clinical testing. Allele origin: unknown.
Comment: This variant is considered benign. This variant is a silent/synonymous amino acid change and it is not expected to impact splicing.